The following is an entry in ClinVar:

NM_000179.3(MSH6):c.4073_*33dup (p.Lys1358_Ter1361=)

Gene: MSH6 (mutS homolog 6; plus strand). Cytogenetic location: 2p16.3.
Variant type: Duplication.
Coding change: c.4073_*33dup on transcript NM_000179.3 (MANE Select); coding-DNA position 4073 through 33 bases downstream of the stop codon, 44 bases duplicated.
Protein change: p.Lys1358_Ter1361=.
Molecular consequence: no sequence alteration. On other transcripts: 3 prime UTR variant (5), non-coding transcript variant (5).
Genome position (GRCh38, 1-based): chr2:47,806,850-47,806,893, 44 bases duplicated. GRCh37 (hg19): chr2:48,033,989-48,034,032.
Other names: c.3683_*33dup, p.Lys1228_Ter1231= (NM_001281492.2); c.3167_*33dup, p.Lys1056_Ter1059= (NM_001281493.2, NM_001281494.2, NM_001406811.1 and 6 more transcripts); c.4169_*33dup, p.Lys1390_Ter1393= (NM_001406795.1); c.4073_*33dup, p.Lys1358_Ter1361= (NM_001406796.1, NM_001406809.1); c.3776_*33dup, p.Lys1259_Ter1262= (NM_001406797.1, NM_001406805.1, NM_001406818.1 and 8 more transcripts); c.3899_*33dup, p.Lys1300_Ter1303= (NM_001406798.1); c.3548_*33dup, p.Lys1183_Ter1186= (NM_001406799.1, NM_001406806.1, NM_001406807.1); c.*94_*137dup (NM_001406800.1); and 9 more.
Identifiers: ClinVar variation 1006269 (VCV001006269.17), dbSNP rs1289787991, ClinGen allele CA532705593.

ClinVar aggregate classification (germline): Conflicting classifications of pathogenicity. Review status: criteria provided, conflicting classifications (1 of 4 stars). 4 submissions from 4 submitters: Uncertain significance (3); Likely benign (1). Last evaluated 2023-10-23.

Conditions:
Hereditary nonpolyposis colorectal neoplasms. Identifiers: MedGen C0009405, MeSH D003123.
Hereditary cancer-predisposing syndrome. Also called: Hereditary neoplastic syndrome; Neoplastic Syndromes, Hereditary; Tumor predisposition; Hereditary Cancer Syndrome. Identifiers: Orphanet 140162, MedGen C0027672, MeSH D009386, MONDO:0015356.
Lynch syndrome. Identifiers: Orphanet 144, MedGen C4552100, MONDO:0005835. Disease mechanism: loss of function.

Allele frequency attached by ClinVar (database versions not stated): gnomAD exomes below 0.00001.

Submissions (4):

All of Us Research Program, National Institutes of Health
Classification: Uncertain significance for Lynch syndrome. Last evaluated: 2023-10-23. Review status: criteria provided, single submitter. Criteria: ACMG Guidelines, 2015. Collection method: clinical testing. Allele origin: germline. Inheritance: Autosomal dominant inheritance. Observed: 1 variant allele, 1 heterozygote.
Comment: This variant is a 44-bp duplication in the C-terminal end of the MSH6 gene including translation stop codon and 3' untranslated sequence. To our knowledge, functional studies have not been reported for this variant. This variant has not been reported in individuals affected with MSH6-related disorders in the literature. This variant has been identified in 1/250968 chromosomes in the general population by the Genome Aggregation Database (gnomAD). The available evidence is insufficient to determine the role of this variant in disease conclusively. Therefore, this variant is classified as a Variant of Uncertain Significance.

This study involves interpretation of variants in research participants for the purpose of population health screening. Participant phenotype was not available at the time of variant classification. Additional details can be found in publication PMID: 35346344, PMCID: PMC8962531

Color Diagnostics, LLC DBA Color Health
Classification: Uncertain significance for Hereditary cancer-predisposing syndrome. Last evaluated: 2023-09-05. Review status: criteria provided, single submitter. Criteria: ACMG Guidelines, 2015. Collection method: clinical testing. Allele origin: germline.
Comment: This variant is a 44-bp duplication in the C-terminal end of the MSH6 gene including translation stop codon and 3' untranslated sequence. To our knowledge, functional studies have not been reported for this variant. This variant has not been reported in individuals affected with MSH6-related disorders in the literature. This variant has been identified in 1/250968 chromosomes in the general population by the Genome Aggregation Database (gnomAD). The available evidence is insufficient to determine the role of this variant in disease conclusively. Therefore, this variant is classified as a Variant of Uncertain Significance.

Labcorp Genetics (formerly Invitae), Labcorp
Classification: Uncertain significance for Hereditary nonpolyposis colorectal neoplasms. Last evaluated: 2023-07-16. Review status: criteria provided, single submitter. Criteria: Invitae Variant Classification Sherloc (09022015). Collection method: clinical testing. Allele origin: germline.
Comment: In summary, the available evidence is currently insufficient to determine the role of this variant in disease. Therefore, it has been classified as a Variant of Uncertain Significance. Experimental studies and prediction algorithms are not available or were not evaluated, and the functional significance of this variant is currently unknown. ClinVar contains an entry for this variant (Variation ID: 1006269). This variant has not been reported in the literature in individuals affected with MSH6-related conditions. This variant is present in population databases (no rsID available, gnomAD 0.003%). This variant occurs in a non-coding region of the MSH6 gene. It does not change the encoded amino acid sequence of the MSH6 protein.

GeneDx
Classification: Likely benign. Last evaluated: 2018-07-26. Review status: criteria provided, single submitter. Criteria: GeneDx Variant Classification Process June 2021. Collection method: clinical testing. Allele origin: germline. Affected: yes.